The following is an entry in ClinVar:

ClinVar aggregate classification (germline): Uncertain significance. Review status: criteria provided, multiple submitters, no conflicts (2 of 4 stars). 2 submissions from 2 submitters: Uncertain significance (2). Last evaluated 2024-12-12.

Conditions:
Inborn genetic diseases. Identifiers: MedGen C0950123, MeSH D030342.
Myofibrillar myopathy 3 (MFM3). Also called: Autosomal dominant spheroid body myopathy; Muscular dystrophy, proximal, type 1A. Identifiers: Orphanet 266, Orphanet 268129, MedGen C3714934, MONDO:0012215, OMIM 609200.

Allele frequency attached by ClinVar (database versions not stated): gnomAD exomes below 0.00001.
gnomAD v4.1: 4 of 1,614,130 alleles (0.00025%); highest among the groups gnomAD compares: Non-Finnish European, 0.00034%; no homozygotes.

Submissions (2):

Labcorp Genetics (formerly Invitae), Labcorp
Classification: Uncertain significance for Myofibrillar myopathy 3. Last evaluated: 2024-12-12. Review status: criteria provided, single submitter. Criteria: Invitae Variant Classification Sherloc (09022015). Collection method: clinical testing. Allele origin: germline.
Comment: This sequence change replaces lysine, which is basic and polar, with methionine, which is neutral and non-polar, at codon 140 of the MYOT protein (p.Lys140Met). This variant is not present in population databases (gnomAD no frequency). This variant has not been reported in the literature in individuals affected with MYOT-related conditions. ClinVar contains an entry for this variant (Variation ID: 2483962). Invitae Evidence Modeling of protein sequence and biophysical properties (such as structural, functional, and spatial information, amino acid conservation, physicochemical variation, residue mobility, and thermodynamic stability) indicates that this missense variant is not expected to disrupt MYOT protein function with a negative predictive value of 80%. In summary, the available evidence is currently insufficient to determine the role of this variant in disease. Therefore, it has been classified as a Variant of Uncertain Significance.

Ambry Genetics
Classification: Uncertain significance for Inborn genetic diseases. Last evaluated: 2023-02-15. Review status: criteria provided, single submitter. Criteria: Ambry Variant Classification Scheme 2023. Collection method: clinical testing. Allele origin: germline.

NM_006790.3(MYOT):c.419A>T (p.Lys140Met)

Genes: PKD2L2-DT (PKD2L2 divergent transcript; minus strand), MYOT (myotilin; plus strand). Cytogenetic location: 5q31.2.
Variant type: single nucleotide variant.
Coding change: c.419A>T on transcript NM_006790.3 (MANE Select); coding-DNA position 419, A replaced by T.
Protein change: p.Lys140Met; replaces lysine 140 with methionine.
Molecular consequence: missense variant. On other transcripts: 5 prime UTR variant (1).
Genome position (GRCh38, 1-based): chr5:137,875,891, A>T. VCF-style: chr5-137875891-A-T. GRCh37 (hg19) VCF-style: chr5-137211580-A-T.
Other names: c.-134A>T (NM_001135940.2); c.74A>T, p.Lys25Met (NM_001300911.2); short protein forms K140M, K25M.
Identifiers: ClinVar variation 2483962 (VCV002483962.4), dbSNP rs2531999352, ClinGen allele CA361054043.
Genomic context (GRCh38, chr5:137,875,891, plus strand): 5'-ATCAACAGTCCTCAGCTGGCCAACCTATAAATGCAAAGCCATCCCAAACTGCAAATGCTA[A>T]GCCCATACCAAGAACTCCTGATCATGAAATACAAGGATCAAAAGAAGCTTTGATTCAAGA-3'
Protein context (NP_006781.1, residues 130-150): NAKPSQTANA[Lys140Met]PIPRTPDHEI